The following is an entry in ClinVar:

NM_178554.6(KY):c.1133C>T (p.Thr378Met)

Genes: CEP63 (centrosomal protein 63; plus strand), KY (kyphoscoliosis peptidase; minus strand). Cytogenetic location: 3q22.2.
Variant type: single nucleotide variant.
Coding change: c.1133C>T on transcript NM_178554.6 (MANE Select); coding-DNA position 1133, C replaced by T.
Protein change: p.Thr378Met; replaces threonine 378 with methionine.
Molecular consequence: missense variant.
Genome position (GRCh38, 1-based): chr3:134,604,432, G>A on the plus strand (C>T on the coding strand, the complement: KY is on the minus strand). VCF-style: chr3-134604432-G-A. GRCh37 (hg19) VCF-style: chr3-134323274-G-A.
Other names: c.1085C>T, p.Thr362Met (NM_001350859.2); c.1070C>T, p.Thr357Met (NM_001366276.1); short protein forms T357M, T362M, T378M.
Identifiers: ClinVar variation 3383597 (VCV003383597.3).
Genomic context (GRCh38, chr3:134,604,432, plus strand): 5'-TTCTTCCTTAGGCTCAGCAGCCCATGCTCTTGCTTGCCATTGAGCATGAACATGAACAGC[G>A]TCGGGGCGCAGCTCTCAATGGTGACCGTGGCCTTCCCATTCACTGAGGAGAGAAAGTCAG-3'
Protein context (NP_848649.3, residues 368-388): ATVTIESCAP[Thr378Met]LFMFMLNGKQ

ClinVar aggregate classification (germline): Uncertain significance. Review status: criteria provided, multiple submitters, no conflicts (2 of 4 stars). 2 submissions from 2 submitters: Uncertain significance (2). Last evaluated 2025-11-07.

Conditions:
Inborn genetic diseases. Identifiers: MedGen C0950123, MeSH D030342.

gnomAD v4.1: 257 of 1,613,476 alleles (0.016%); highest among the groups gnomAD compares: South Asian, 0.12%; 3 homozygotes.

Submissions (2):

GeneDx
Classification: Uncertain significance. Last evaluated: 2025-11-07. Review status: criteria provided, single submitter. Criteria: GeneDx Variant Classification Process June 2021. Collection method: clinical testing. Allele origin: germline. Affected: yes.
Comment: In silico analysis indicates that this missense variant does not alter protein structure/function; Has not been previously published as pathogenic or benign to our knowledge

Ambry Genetics
Classification: Uncertain significance for Inborn genetic diseases. Last evaluated: 2024-11-21. Review status: criteria provided, single submitter. Criteria: Ambry Variant Classification Scheme 2023. Collection method: clinical testing. Allele origin: germline.